The following is an entry in ClinVar:

NM_000051.4(ATM):c.5078A>G (p.Asp1693Gly)

Gene: ATM (ATM serine/threonine kinase; plus strand). Cytogenetic location: 11q22.3.
Variant type: single nucleotide variant.
Coding change: c.5078A>G on transcript NM_000051.4 (MANE Select); coding-DNA position 5078, A replaced by G.
Protein change: p.Asp1693Gly; replaces aspartic acid 1693 with glycine.
Molecular consequence: missense variant.
Genome position (GRCh38, 1-based): chr11:108,299,786, A>G. VCF-style: chr11-108299786-A-G. GRCh37 (hg19) VCF-style: chr11-108170513-A-G.
Other names: c.5078A>G, p.Asp1693Gly (NM_001351834.2); short protein forms D1693G.
Identifiers: ClinVar variation 4825525 (VCV004825525.1).
Genomic context (GRCh38, chr11:108,299,786, plus strand): 5'-GCTGCTTGGGAGAAGTGGGTCCTATAGATTTCTCTACCATAGCTATACAACATAGTAAAG[A>G]TGCATCTTATACCAAGGCCCTTAAGTTATTTGAAGATAAAGAACTTCAGTGGACCTTCAT-3'
Protein context (NP_000042.3, residues 1683-1703): FSTIAIQHSK[Asp1693Gly]ASYTKALKLF

ClinVar aggregate classification (germline): Uncertain significance (1 of 4 stars; one submission).

Conditions:
Hereditary cancer-predisposing syndrome. Also called: Neoplastic Syndromes, Hereditary; Tumor predisposition; Hereditary Cancer Syndrome; Hereditary neoplastic syndrome. Identifiers: Orphanet 140162, MedGen C0027672, MeSH D009386, MONDO:0015356.

Submission:

Ambry Genetics
Classification: Uncertain significance for Hereditary cancer-predisposing syndrome. Last evaluated: 2026-02-25. Review status: criteria provided, single submitter. Criteria: Ambry Variant Classification Scheme 2023. Collection method: clinical testing. Allele origin: germline.
Comment: The p.D1693G variant (also known as c.5078A>G), located in coding exon 33 of the ATM gene, results from an A to G substitution at nucleotide position 5078. The aspartic acid at codon 1693 is replaced by glycine, an amino acid with similar properties. This amino acid position is well conserved in available vertebrate species. In addition, this alteration is predicted to be tolerated by in silico analysis. Based on the available evidence, the clinical significance of this variant remains unclear.